The following is an entry in ClinVar:

NM_003070.5(SMARCA2):c.1883A>C (p.Glu628Ala)

Gene: SMARCA2 (SWI/SNF related BAF chromatin remodeling complex subunit ATPase 2; plus strand). Cytogenetic location: 9p24.3.
Variant type: single nucleotide variant.
Coding change: c.1883A>C on transcript NM_003070.5 (MANE Select); coding-DNA position 1883, A replaced by C.
Protein change: p.Glu628Ala; replaces glutamic acid 628 with alanine.
Molecular consequence: missense variant.
Genome position (GRCh38, 1-based): chr9:2,073,571, A>C. VCF-style: chr9-2073571-A-C. GRCh37 (hg19) VCF-style: chr9-2073571-A-C.
Other names: c.1883A>C, p.Glu628Ala (NM_001289396.2, NM_001289397.2, NM_139045.4); short protein forms E628A.
Identifiers: ClinVar variation 2507248 (VCV002507248.1), dbSNP rs2537310967, ClinGen allele CA372783233.

ClinVar aggregate classification (germline): Uncertain significance (1 of 4 stars; one submission).

Submission:

GeneDx
Classification: Uncertain significance. Last evaluated: 2022-12-27. Review status: criteria provided, single submitter. Criteria: GeneDx Variant Classification Process June 2021. Collection method: clinical testing. Allele origin: germline. Affected: yes.
Comment: Not observed at significant frequency in large population cohorts (gnomAD); In silico analysis supports that this missense variant has a deleterious effect on protein structure/function; Has not been previously published as pathogenic or benign to our knowledge